The following is an entry in ClinVar:

ClinVar aggregate classification (germline): Uncertain significance (1 of 4 stars; one submission).

Submission:

Labcorp Genetics (formerly Invitae), Labcorp
Classification: Uncertain significance. Last evaluated: 2025-08-22. Review status: criteria provided, single submitter. Criteria: Invitae Variant Classification Sherloc (09022015). Collection method: clinical testing. Allele origin: germline.
Comment: This sequence change falls in intron 7 of the PAX5 gene. It does not directly change the encoded amino acid sequence of the PAX5 protein. It affects a nucleotide within the consensus splice site. This variant is present in population databases (rs779355946, gnomAD 0.007%). This variant has not been reported in the literature in individuals affected with PAX5-related conditions. Variants that disrupt the consensus splice site are a relatively common cause of aberrant splicing (PMID: 17576681, 9536098). Algorithms developed to predict the effect of sequence changes on RNA splicing suggest that this variant is not likely to affect RNA splicing. In summary, the available evidence is currently insufficient to determine the role of this variant in disease. Therefore, it has been classified as a Variant of Uncertain Significance.

Literature cited by the submitters: PubMed 17576681; PubMed 9536098.

NM_016734.3(PAX5):c.910+6G>A

Gene: PAX5 (paired box 5; minus strand). Cytogenetic location: 9p13.2.
Variant type: single nucleotide variant.
Coding change: c.910+6G>A on transcript NM_016734.3 (MANE Select); 6 bases into the intron after coding-DNA position 910, G replaced by A.
Molecular consequence: intron variant.
Genome position (GRCh38, 1-based): chr9:36,923,349, C>T on the plus strand (G>A on the coding strand, the complement: PAX5 is on the minus strand). VCF-style: chr9-36923349-C-T. GRCh37 (hg19) VCF-style: chr9-36923346-C-T.
Other names: c.586+6G>A (NM_001280551.2, NM_001280556.2); c.712+6G>A (NM_001280555.2); c.781+6G>A (NM_001280553.2, NM_001280554.2); c.780+43200G>A (NM_001280550.2, NM_001280549.2); c.910+6G>A (NM_001280552.2, NM_001280547.2, NM_001280548.2).
Identifiers: ClinVar variation 4765006 (VCV004765006.1).
Genomic context (GRCh38, chr9:36,923,349, plus strand): 5'-TCCCACCACACACTCCTATCTCTCTCTCTCTCCCTCACTCATCCCCCATGCCCCAGGTGC[C>T]CTCACCTGTCACAATGGGGTAGGACTGCGGGCCTGGCACACTGCTCCCGATGTCAGCAGG-3'